The following is an entry in ClinVar:

NM_138348.6(OTULIN):c.12G>A (p.Gly4=)

Gene: OTULIN (OTU deubiquitinase with linear linkage specificity; plus strand). Cytogenetic location: 5p15.2.
Variant type: single nucleotide variant.
Coding change: c.12G>A on transcript NM_138348.6 (MANE Select); coding-DNA position 12, G replaced by A.
Protein change: p.Gly4=; no amino-acid change (glycine 4 retained).
Molecular consequence: synonymous variant.
Genome position (GRCh38, 1-based): chr5:14,664,837, G>A. VCF-style: chr5-14664837-G-A. GRCh37 (hg19) VCF-style: chr5-14664946-G-A.
Other names: c.12G>A (NM_138348.5).
Identifiers: ClinVar variation 1652466 (VCV001652466.10), dbSNP rs778927727, ClinGen allele CA3208500.
Genomic context (GRCh38, chr5:14,664,837, plus strand): 5'-CTCCGGATCGTTCGGAGCCGGCTGAACCCCTTCGGCCGCGAGCGACCGCATGAGTCGGGG[G>A]ACTATGCCCCAGCCCGAAGCGTGGCCAGGCGCGAGCTGCGCCGAGACGCCGGCGCGGGAG-3'
Protein context (NP_612357.4, residues 1-14): MSR[Gly4=]TMPQPEAWPG

ClinVar aggregate classification (germline): Likely benign. Review status: criteria provided, single submitter (1 of 4 stars). 2 submissions from 2 submitters: Likely benign (1). 1 of the submissions does not count toward it. Last evaluated 2026-01-24.

Conditions:
OTULIN-related disorder. Also called: OTULIN-related condition.

Allele frequency attached by ClinVar (database versions not stated): TOPMed 0.00002; gnomAD 0.00003; gnomAD exomes 0.00009; ExAC 0.00020.
gnomAD v4.1: 95 of 1,218,976 alleles (0.0078%); highest among the groups gnomAD compares: Non-Finnish European, 0.0095%; no homozygotes.

Submissions (2):

Labcorp Genetics (formerly Invitae), Labcorp
Classification: Likely benign. Last evaluated: 2026-01-24. Review status: criteria provided, single submitter. Criteria: Invitae Variant Classification Sherloc (09022015). Collection method: clinical testing. Allele origin: germline.

PreventionGenetics, part of Exact Sciences
Classification: Likely benign for OTULIN-related condition. Last evaluated: 2023-09-29. Review status: no assertion criteria provided. Collection method: clinical testing. Allele origin: germline. Not counted in ClinVar's aggregate classification.
Comment: This variant is classified as likely benign based on ACMG/AMP sequence variant interpretation guidelines (Richards et al. 2015 PMID: 25741868, with internal and published modifications).